The following is an entry in ClinVar:

ClinVar aggregate classification (germline): Uncertain significance (1 of 4 stars; one submission).

Conditions:
Holoprosencephaly 3 (HPE3). Identifiers: Orphanet 2162, MedGen C1840529, MONDO:0007733, OMIM 142945.

Allele frequency attached by ClinVar (database versions not stated): gnomAD 0.00007; TOPMed 0.00011.
gnomAD v4.1: 10 of 152,174 alleles (0.0066%); highest among the groups gnomAD compares: Non-Finnish European, 0.0088%; no homozygotes.

Submission:

Labcorp Genetics (formerly Invitae), Labcorp
Classification: Uncertain significance for Holoprosencephaly 3. Last evaluated: 2025-08-03. Review status: criteria provided, single submitter. Criteria: Invitae Variant Classification Sherloc (09022015). Collection method: clinical testing. Allele origin: germline.
Comment: This variant occurs in a non-coding region of the SHH gene. It does not change the encoded amino acid sequence of the SHH protein. This variant is not present in population databases (gnomAD no frequency). This variant has not been reported in the literature in individuals affected with SHH-related conditions. Experimental studies and prediction algorithms are not available or were not evaluated, and the effect of this variant on mRNA splicing is currently unknown. In summary, the available evidence is currently insufficient to determine the role of this variant in disease. Therefore, it has been classified as a Variant of Uncertain Significance.

NC_000007.14:g.156769187G>A

Genes: LMBR1 (limb development membrane protein 1; minus strand), SHH (sonic hedgehog signaling molecule; minus strand). Cytogenetic location: 7q36.3.
Variant type: single nucleotide variant.
Molecular consequence: intron variant (on NM_022458.4).
Genome position: GRCh38 VCF-style: chr7-156769187-G-A. GRCh37 (hg19) VCF-style: chr7-156561881-G-A.
Other names: c.361-5392C>T (NM_001363412.2); c.145-5392C>T (NM_001350954.2); c.424-5392C>T (NM_001363410.2, NM_022458.4, NM_001363409.2 and 1 more transcripts); c.-33-5392C>T (NM_001350958.2, NM_001350956.2, NM_001350955.2 and 1 more transcripts); c.55-5392C>T (NM_001350957.2, NM_001363411.2).
Identifiers: ClinVar variation 2868355 (VCV002868355.3), dbSNP rs1038529587, ClinGen allele CA169820941.